The following is an entry in ClinVar:

NM_177438.3(DICER1):c.2187TGA[3] (p.Asp730_Glu731insAsp)

Gene: DICER1 (dicer 1, ribonuclease III; minus strand). Cytogenetic location: 14q32.13.
Variant type: Microsatellite.
Coding change: c.2187TGA[3] on transcript NM_177438.3 (MANE Select); three copies in a row of the 3-base unit TGA starting at c.2187; the reference has two copies in a row; one copy, 3 bases duplicated.
Protein change: p.Asp730_Glu731insAsp.
Molecular consequence: inframe insertion. On other transcripts: inframe indel (3), non-coding transcript variant (6).
Genome position (GRCh38, 1-based): chr14:95,111,381-95,111,383, TCA duplicated on the plus strand (TGA on the coding strand, the reverse complement: DICER1 is on the minus strand); duplicating any 3 consecutive bases within chr14:95,111,381-95,111,387 gives the same sequence; the position shown is the placement nearest the transcript's 3' end. VCF-style (leftmost placement, unchanged base first): chr14-95111380-T-TTCA. GRCh37 (hg19) VCF-style: chr14-95577717-T-TTCA.
Other names: c.2187TGA[3], p.Asp730_Glu731insAsp (NM_001195573.1, NM_001271282.3, NM_001291628.2 and 12 more transcripts); c.2186_2188ATG[3], p.Asp730_Glu731insAsp (NM_001395681.1, NM_177438.2); c.1905TGA[3], p.Asp636_Glu637insAsp (NM_001395686.1); c.1782TGA[3], p.Asp595_Glu596insAsp (NM_001395687.1, NM_001395688.1, NM_001395689.1 and 3 more transcripts); c.1620TGA[3], p.Asp541_Glu542insAsp (NM_001395691.1); c.504TGA[3], p.Asp169_Glu170insAsp (NM_001395697.1); c.2190_2192dupTGA (NM_177438.2).
Identifiers: ClinVar variation 1787407 (VCV001787407.2), dbSNP rs1891944385, ClinGen allele CA2580612785.

ClinVar aggregate classification (germline): Uncertain significance (1 of 4 stars; one submission).

Conditions:
Hereditary cancer-predisposing syndrome. Also called: Neoplastic Syndromes, Hereditary; Tumor predisposition; Hereditary Cancer Syndrome; Hereditary neoplastic syndrome. Identifiers: Orphanet 140162, MedGen C0027672, MeSH D009386, MONDO:0015356.

Submission:

Ambry Genetics
Classification: Uncertain significance for Hereditary cancer-predisposing syndrome. Last evaluated: 2022-03-23. Review status: criteria provided, single submitter. Criteria: Ambry Variant Classification Scheme 2023. Collection method: clinical testing. Allele origin: germline.
Comment: The c.2190_2192dupTGA variant (also known as p.D730dup), located in coding exon 13 of the DICER1 gene, results from an in-frame duplication of TGA at nucleotide positions 2190 to 2192. This results in the duplication of an extra residue between codons 730 and 731. This amino acid position is highly conserved in available vertebrate species. In addition, this alteration is predicted to be neutral by in silico analysis (Choi Y et al. PLoS ONE. 2012; 7(10):e46688). Since supporting evidence is limited at this time, the clinical significance of this alteration remains unclear.